The following is an entry in ClinVar:

ClinVar aggregate classification (germline): Uncertain significance (1 of 4 stars; one submission).

Conditions:
Joubert syndrome. Also called: CEREBELLOPARENCHYMAL DISORDER IV; JOUBERT-BOLTSHAUSER SYNDROME; Familial aplasia of the vermis. Identifiers: Orphanet 475, MedGen C5979921, MONDO:0018772.
Meckel-Gruber syndrome. Also called: DYSENCEPHALIA SPLANCHNOCYSTICA; GRUBER SYNDROME; Dysencephalia splachnocystica. Identifiers: Orphanet 564, MedGen C0265215, MONDO:0018921.

Allele frequency attached by ClinVar (database versions not stated): gnomAD exomes below 0.00001; TOPMed below 0.00001.

Submission:

Labcorp Genetics (formerly Invitae), Labcorp
Classification: Uncertain significance for Joubert syndrome; Meckel-Gruber syndrome. Last evaluated: 2025-02-10. Review status: criteria provided, single submitter. Criteria: Invitae Variant Classification Sherloc (09022015). Collection method: clinical testing. Allele origin: germline.
Comment: This sequence change replaces histidine, which is basic and polar, with aspartic acid, which is acidic and polar, at codon 517 of the TMEM67 protein (p.His517Asp). This variant is present in population databases (no rsID available, gnomAD 0.007%). This variant has not been reported in the literature in individuals affected with TMEM67-related conditions. ClinVar contains an entry for this variant (Variation ID: 1909323). Invitae Evidence Modeling of protein sequence and biophysical properties (such as structural, functional, and spatial information, amino acid conservation, physicochemical variation, residue mobility, and thermodynamic stability) has been performed for this missense variant. However, the output from this modeling did not meet the statistical confidence thresholds required to predict the impact of this variant on TMEM67 protein function. In summary, the available evidence is currently insufficient to determine the role of this variant in disease. Therefore, it has been classified as a Variant of Uncertain Significance.

NM_153704.6(TMEM67):c.1549C>G (p.His517Asp)

Gene: TMEM67 (transmembrane protein 67; plus strand). Cytogenetic location: 8q22.1.
Variant type: single nucleotide variant.
Coding change: c.1549C>G on transcript NM_153704.6 (MANE Select); coding-DNA position 1549, C replaced by G.
Protein change: p.His517Asp; replaces histidine 517 with aspartic acid.
Molecular consequence: missense variant. On other transcripts: non-coding transcript variant (1).
Genome position (GRCh38, 1-based): chr8:93,791,293, C>G. VCF-style: chr8-93791293-C-G. GRCh37 (hg19) VCF-style: chr8-94803521-C-G.
Other names: c.1306C>G, p.His436Asp (NM_001142301.1); short protein forms H517D, H436D.
Identifiers: ClinVar variation 1909323 (VCV001909323.5), dbSNP rs1304785326, ClinGen allele CA371690909.